The following is an entry in ClinVar:

ClinVar aggregate classification (germline): Pathogenic (1 of 4 stars; one submission).

Conditions:
Primary ciliary dyskinesia. Also called: Ciliary dyskinesia. Identifiers: Orphanet 244, MedGen C0008780, MONDO:0016575, HP:0012265.

Submission:

Labcorp Genetics (formerly Invitae), Labcorp
Classification: Pathogenic for Primary ciliary dyskinesia. Last evaluated: 2025-11-27. Review status: criteria provided, single submitter. Criteria: Invitae Variant Classification Sherloc (09022015). Collection method: clinical testing. Allele origin: germline.
Comment: This sequence change creates a premature translational stop signal (p.Ser567Ilefs*3) in the DNAH8 gene. It is expected to result in an absent or disrupted protein product. Loss-of-function variants in DNAH8 are known to be pathogenic (PMID: 24307375, 32619401, 32681648). This variant is not present in population databases (gnomAD no frequency). This variant has not been reported in the literature in individuals affected with DNAH8-related conditions. For these reasons, this variant has been classified as Pathogenic.

Literature cited by the submitters: PubMed 24307375; PubMed 32619401; PubMed 32681648.

NM_001206927.2(DNAH8):c.1698dup (p.Ser567fs)

Gene: DNAH8 (dynein axonemal heavy chain 8; plus strand). Cytogenetic location: 6p21.2.
Variant type: Duplication.
Coding change: c.1698dup on transcript NM_001206927.2 (MANE Select); coding-DNA position 1698, one base duplicated (A; older notation c.1698dupA).
Protein change: p.Ser567fs; shifts the reading frame from serine 567.
Molecular consequence: frameshift variant.
Genome position (GRCh38, 1-based): chr6:38,770,493, A duplicated; the last of 5 consecutive A bases (chr6:38,770,489-38,770,493); duplicating any one gives the same sequence. VCF-style (leftmost placement, unchanged base first): chr6-38770488-G-GA. GRCh37 (hg19) VCF-style: chr6-38738264-G-GA.
Other names: c.1047dup, p.Ser350fs (NM_001371.4); short protein forms S350fs, S567fs.
Identifiers: ClinVar variation 4732139 (VCV004732139.1).